The following is an entry in ClinVar:

NM_000038.6(APC):c.1958+707C>A

Gene: APC (APC regulator of WNT signaling pathway; plus strand). Cytogenetic location: 5q22.2.
Variant type: single nucleotide variant.
Coding change: c.1958+707C>A on transcript NM_000038.6 (MANE Select); 707 bases into the intron after coding-DNA position 1958, C replaced by A.
Molecular consequence: intron variant.
Genome position (GRCh38, 1-based): chr5:112,835,872, C>A. VCF-style: chr5-112835872-C-A. GRCh37 (hg19) VCF-style: chr5-112171569-C-A.
Other names: c.1958+707C>A (NM_001354895.2, NM_001127510.3); c.1988+707C>A (NM_001354897.2); c.1685+707C>A (NM_001354902.2); c.1904+707C>A (NM_001127511.3); c.1883+707C>A (NM_001354898.2); c.1580+707C>A (NM_001354904.2); c.1109+707C>A (NM_001354906.2); c.2012+707C>A (NM_001354896.2); and 5 more.
Identifiers: ClinVar variation 83218 (VCV000083218.2), dbSNP rs78477258, ClinGen allele CA006708.

ClinVar aggregate classification (germline): other (0 of 4 stars; one submission).

Conditions:
Familial colorectal cancer. Identifiers: MedGen CN280943, MONDO:0023113. Disease mechanism: loss of function.

Submission:

Systems Biology Platform Zhejiang California International NanoSystems Institute
Classification: other for Familial colorectal cancer. Review status: no assertion criteria provided. Collection method: not provided. Allele origin: unknown.
ClinVar note: Converted during submission from cancer to other.